The following is an entry in ClinVar:

NM_005060.4(RORC):c.749G>A (p.Ser250Asn)

Gene: RORC (RAR related orphan receptor C; minus strand). Cytogenetic location: 1q21.3.
Variant type: single nucleotide variant.
Coding change: c.749G>A on transcript NM_005060.4 (MANE Select); coding-DNA position 749, G replaced by A.
Protein change: p.Ser250Asn; replaces serine 250 with asparagine.
Molecular consequence: missense variant.
Genome position (GRCh38, 1-based): chr1:151,814,975, C>T on the plus strand (G>A on the coding strand, the complement: RORC is on the minus strand). VCF-style: chr1-151814975-C-T. GRCh37 (hg19) VCF-style: chr1-151787451-C-T.
Other names: c.686G>A, p.Ser229Asn (NM_001001523.2, LRG_1322t2); c.749G>A, p.Ser250Asn (LRG_1322t1); short protein forms S250N, S229N.
Identifiers: ClinVar variation 475713 (VCV000475713.35), dbSNP rs41263732, ClinGen allele CA1095865.

ClinVar aggregate classification (germline): Likely benign. Review status: criteria provided, multiple submitters, no conflicts (2 of 4 stars). 2 submissions from 2 submitters: Likely benign (2). Last evaluated 2026-09-01.

Conditions:
Autosomal recessive mendelian susceptibility to mycobacterial diseases due to complete RORgamma receptor deficiency. Also called: Immunodeficiency 42. Identifiers: Orphanet 477857, MedGen C5567647, MONDO:0014710, OMIM 616622.

Allele frequency attached by ClinVar (database versions not stated): 1000 Genomes Project 0.00240; 1000 Genomes Project 30x 0.00265; ESP Exome Variant Server 0.00338; gnomAD exomes 0.00347; ExAC 0.00351; gnomAD 0.00364 and 0.00372; TOPMed 0.00375.

Submissions (2):

CeGaT Center for Human Genetics Tuebingen
Classification: Likely benign. Last evaluated: 2026-09-01. Review status: criteria provided, single submitter. Criteria: CeGaT Center For Human Genetics Tuebingen Variant Classification Criteria Version 2. Collection method: clinical testing. Allele origin: germline. Affected: yes. Observed: 9 variant alleles.
Comment: RORC: BP4, BS2

Labcorp Genetics (formerly Invitae), Labcorp
Classification: Likely benign for Autosomal recessive mendelian susceptibility to mycobacterial diseases due to complete RORgamma receptor deficiency. Last evaluated: 2026-02-04. Review status: criteria provided, single submitter. Criteria: Invitae Variant Classification Sherloc (09022015). Collection method: clinical testing. Allele origin: germline.